The following is an entry in ClinVar:

NM_005445.4(SMC3):c.2268+5G>C

Gene: SMC3 (structural maintenance of chromosomes 3; plus strand). Cytogenetic location: 10q25.2.
Variant type: single nucleotide variant.
Coding change: c.2268+5G>C on transcript NM_005445.4 (MANE Select); 5 bases into the intron after coding-DNA position 2268, G replaced by C.
Molecular consequence: intron variant.
Genome position (GRCh38, 1-based): chr10:110,598,295, G>C. VCF-style: chr10-110598295-G-C. GRCh37 (hg19) VCF-style: chr10-112358053-G-C.
Other names: c.2268+5G>C (NM_005445.3).
Identifiers: ClinVar variation 2715795 (VCV002715795.4), dbSNP rs530162037, ClinGen allele CA2610884291.

ClinVar aggregate classification (germline): Uncertain significance. Review status: criteria provided, multiple submitters, no conflicts (2 of 4 stars). 2 submissions from 2 submitters: Uncertain significance (2). Last evaluated 2026-06-21.

Conditions:
Cornelia de Lange syndrome 3 (CDLS3). Also called: SMC3-Related Cornelia de Lange Syndrome; CORNELIA DE LANGE SYNDROME 3 WITH OR WITHOUT MIDLINE BRAIN DEFECTS. Identifiers: Orphanet 199, MedGen C1853099, MONDO:0012555, OMIM 610759.
SMC3-related disorder. Also called: SMC3-related condition.

gnomAD v4.1: 1 of 1,612,740 alleles (0.000062%); highest among the groups gnomAD compares: Admixed American, 0.0017%; no homozygotes.

Submissions (2):

PreventionGenetics, part of Exact Sciences
Classification: Uncertain significance for SMC3-related condition. Last evaluated: 2026-06-21. Review status: criteria provided, single submitter. Criteria: ACMG Guidelines, 2015. Collection method: clinical testing. Allele origin: germline.
Comment: The SMC3 c.2268+5G>C variant is predicted to interfere with splicing. This variant is predicted to alter splicing based on available splicing prediction programs (SpliceAI, Jaganathan et al. 2019. PubMed ID: 30661751). To our knowledge, this variant has not been reported in the literature or in a large population database (gnomAD), indicating this variant is rare. At this time, the clinical significance of this variant is uncertain due to the absence of conclusive functional and genetic evidence.

Labcorp Genetics (formerly Invitae), Labcorp
Classification: Uncertain significance for Cornelia de Lange syndrome 3. Last evaluated: 2023-01-30. Review status: criteria provided, single submitter. Criteria: Invitae Variant Classification Sherloc (09022015). Collection method: clinical testing. Allele origin: germline.
Comment: In summary, the available evidence is currently insufficient to determine the role of this variant in disease. Therefore, it has been classified as a Variant of Uncertain Significance. Variants that disrupt the consensus splice site are a relatively common cause of aberrant splicing (PMID: 17576681, 9536098). Algorithms developed to predict the effect of sequence changes on RNA splicing suggest that this variant may disrupt the consensus splice site. This variant has not been reported in the literature in individuals affected with SMC3-related conditions. This variant is not present in population databases (gnomAD no frequency). This sequence change falls in intron 20 of the SMC3 gene. It does not directly change the encoded amino acid sequence of the SMC3 protein. It affects a nucleotide within the consensus splice site.

Literature cited by the submitters: PubMed 17576681 (cited by Labcorp Genetics (formerly Invitae), Labcorp); PubMed 9536098 (cited by Labcorp Genetics (formerly Invitae), Labcorp).